The following is an entry in ClinVar:

ClinVar aggregate classification (germline): Uncertain significance (1 of 4 stars; one submission).

Submission:

GeneDx
Classification: Uncertain significance. Last evaluated: 2026-04-29. Review status: criteria provided, single submitter. Criteria: GeneDx Variant Classification Process June 2021. Collection method: clinical testing. Allele origin: germline.
Comment: Not observed at significant frequency in large population cohorts (gnomAD); In silico analysis is inconclusive as to whether the variant alters gene splicing. In the absence of RNA/functional studies, the actual effect of this sequence change is unknown.; Has not been previously published as pathogenic or benign to our knowledge

NM_001393769.1(MED12L):c.5451+4A>C

Gene: MED12L (mediator complex subunit 12L; plus strand). Cytogenetic location: 3q25.1.
Variant type: single nucleotide variant.
Coding change: c.5451+4A>C on transcript NM_001393769.1 (MANE Select); 4 bases into the intron after coding-DNA position 5451, A replaced by C.
Molecular consequence: intron variant.
Genome position (GRCh38, 1-based): chr3:151,388,176, A>C. VCF-style: chr3-151388176-A-C. GRCh37 (hg19) VCF-style: chr3-151105964-A-C.
Other names: c.5346+4A>C (NM_053002.6).
Identifiers: ClinVar variation 4074484 (VCV004074484.2).